The following is an entry in ClinVar:

ClinVar aggregate classification (germline): Uncertain significance (1 of 4 stars; one submission).

Conditions:
Sitosterolemia (STSL). Also called: PHYTOSTEROLEMIA. Identifiers: Orphanet 2882, MedGen C0342907, MONDO:0008863.

Submission:

Labcorp Genetics (formerly Invitae), Labcorp
Classification: Uncertain significance for Sitosterolemia. Last evaluated: 2025-09-04. Review status: criteria provided, single submitter. Criteria: Invitae Variant Classification Sherloc (09022015). Collection method: clinical testing. Allele origin: germline.
Comment: This sequence change replaces aspartic acid, which is acidic and polar, with glutamic acid, which is acidic and polar, at codon 97 of the ABCG5 protein (p.Asp97Glu). This variant is not present in population databases (gnomAD no frequency). This variant has not been reported in the literature in individuals affected with ABCG5-related conditions. An algorithm developed to predict the effect of missense changes on protein structure and function (PolyPhen-2) suggests that this variant is likely to be disruptive. In summary, the available evidence is currently insufficient to determine the role of this variant in disease. Therefore, it has been classified as a Variant of Uncertain Significance.

NM_022436.3(ABCG5):c.291C>G (p.Asp97Glu)

Gene: ABCG5 (ATP binding cassette subfamily G member 5; minus strand). Cytogenetic location: 2p21.
Variant type: single nucleotide variant.
Coding change: c.291C>G on transcript NM_022436.3 (MANE Select); coding-DNA position 291, C replaced by G.
Protein change: p.Asp97Glu; replaces aspartic acid 97 with glutamic acid.
Molecular consequence: missense variant.
Genome position (GRCh38, 1-based): chr2:43,832,058, G>C on the plus strand (C>G on the coding strand, the complement: ABCG5 is on the minus strand). VCF-style: chr2-43832058-G-C. GRCh37 (hg19) VCF-style: chr2-44059197-G-C.
Other names: short protein forms D97E.
Identifiers: ClinVar variation 4764838 (VCV004764838.1).